The following is an entry in ClinVar:

NM_145059.3(FCSK):c.425C>G (p.Ser142Cys)

Gene: FCSK (fucose kinase; plus strand). Cytogenetic location: 16q22.1.
Variant type: single nucleotide variant.
Coding change: c.425C>G on transcript NM_145059.3 (MANE Select); coding-DNA position 425, C replaced by G.
Protein change: p.Ser142Cys; replaces serine 142 with cysteine.
Molecular consequence: missense variant.
Genome position (GRCh38, 1-based): chr16:70,466,895, C>G. VCF-style: chr16-70466895-C-G. GRCh37 (hg19) VCF-style: chr16-70500798-C-G.
Other names: short protein forms S142C.
Identifiers: ClinVar variation 3278430 (VCV003278430.2).

ClinVar aggregate classification (germline): Uncertain significance. Review status: criteria provided, multiple submitters, no conflicts (2 of 4 stars). 2 submissions from 2 submitters: Uncertain significance (2). Last evaluated 2025-04-12.

Submissions (2):

Labcorp Genetics (formerly Invitae), Labcorp
Classification: Uncertain significance. Last evaluated: 2025-04-12. Review status: criteria provided, single submitter. Criteria: Invitae Variant Classification Sherloc (09022015). Collection method: clinical testing. Allele origin: germline.
Comment: This sequence change replaces serine, which is neutral and polar, with cysteine, which is neutral and slightly polar, at codon 142 of the FUK protein (p.Ser142Cys). This variant is not present in population databases (gnomAD no frequency). This variant has not been reported in the literature in individuals affected with FUK-related conditions. ClinVar contains an entry for this variant (Variation ID: 3278430). An algorithm developed to predict the effect of missense changes on protein structure and function outputs the following: PolyPhen-2: "Benign". The cysteine amino acid residue is found in multiple mammalian species, which suggests that this missense change does not adversely affect protein function. In summary, the available evidence is currently insufficient to determine the role of this variant in disease. Therefore, it has been classified as a Variant of Uncertain Significance.

Ambry Genetics
Classification: Uncertain significance. Last evaluated: 2024-04-09. Review status: criteria provided, single submitter. Criteria: Ambry Variant Classification Scheme 2023. Collection method: clinical testing. Allele origin: germline.